The following is an entry in ClinVar:

NM_000891.3(KCNJ2):c.586A>C (p.Ser196Arg)

Gene: KCNJ2 (potassium inwardly rectifying channel subfamily J member 2; plus strand). Cytogenetic location: 17q24.3.
Variant type: single nucleotide variant.
Coding change: c.586A>C on transcript NM_000891.3 (MANE Select); coding-DNA position 586, A replaced by C.
Protein change: p.Ser196Arg; replaces serine 196 with arginine.
Molecular consequence: missense variant.
Genome position (GRCh38, 1-based): chr17:70,175,625, A>C. VCF-style: chr17-70175625-A-C. GRCh37 (hg19) VCF-style: chr17-68171766-A-C.
Other names: short protein forms S196R.
Identifiers: ClinVar variation 1995178 (VCV001995178.4), dbSNP rs2509921209, ClinGen allele CA400861134.

ClinVar aggregate classification (germline): Uncertain significance (1 of 4 stars; one submission).

Conditions:
Andersen Tawil syndrome (LQT7). Also called: Potassium-sensitive periodic paralysis, ventricular ectopy, and dysmorphic features; Andersen Syndrome; ANDERSEN CARDIODYSRHYTHMIC PERIODIC PARALYSIS; LONG QT SYNDROME 7; PERIODIC PARALYSIS, POTASSIUM-SENSITIVE CARDIODYSRHYTHMIC TYPE. Identifiers: Orphanet 37553, MedGen C1563715, MONDO:0008222, OMIM 170390.
Short QT syndrome type 3. Identifiers: Orphanet 51083, MedGen C1865018, MONDO:0012314, OMIM 609622.

Submission:

Labcorp Genetics (formerly Invitae), Labcorp
Classification: Uncertain significance for Short QT syndrome type 3; Andersen Tawil syndrome. Last evaluated: 2022-05-16. Review status: criteria provided, single submitter. Criteria: Invitae Variant Classification Sherloc (09022015). Collection method: clinical testing. Allele origin: germline.
Comment: In summary, the available evidence is currently insufficient to determine the role of this variant in disease. Therefore, it has been classified as a Variant of Uncertain Significance. Algorithms developed to predict the effect of missense changes on protein structure and function (SIFT, PolyPhen-2, Align-GVGD) all suggest that this variant is likely to be disruptive. This variant has not been reported in the literature in individuals affected with KCNJ2-related conditions. This variant is not present in population databases (gnomAD no frequency). This sequence change replaces serine, which is neutral and polar, with arginine, which is basic and polar, at codon 196 of the KCNJ2 protein (p.Ser196Arg).